The following is an entry in ClinVar:

Conditions:
Breast-ovarian cancer, familial, susceptibility to, 1 (BROVCA1). Also called: BRCA1 Hereditary Breast and Ovarian Cancer; OVARIAN CANCER, SUSCEPTIBILITY TO. Identifiers: Orphanet 145, MedGen C2676676, MONDO:0011450, OMIM 604370. Disease mechanism: loss of function.

Submission:

Brotman Baty Institute, University of Washington
No classification provided (evidence only). Condition: Breast-ovarian cancer, familial 1. Review status: no classification provided. Collection method: in vitro. Allele origin: not applicable. Functional consequence: function_uncertain_variant.
ClinVar note: "not provided" was previously submitted as the classification for the variant. However, the classification appeared to be based only on an observation of functional data so it was converted to no classification on 2025-07-30.

NM_007294.4(BRCA1):c.5407-4C>A

Gene: BRCA1 (BRCA1 DNA repair associated; minus strand). Cytogenetic location: 17q21.31.
Variant type: single nucleotide variant.
Coding change: c.5407-4C>A on transcript NM_007294.4 (MANE Select); 4 bases into the intron before coding-DNA position 5407, C replaced by A.
Molecular consequence: intron variant.
Genome position (GRCh38, 1-based): chr17:43,047,707, G>T on the plus strand (C>A on the coding strand, the complement: BRCA1 is on the minus strand). VCF-style: chr17-43047707-G-T. GRCh37 (hg19) VCF-style: chr17-41199724-G-T.
Other names: c.2800-4C>A (NM_001407969.1); c.2803-4C>A (NM_001407968.1); c.5401-4C>A (NM_001407640.1, NM_001407631.1, NM_001407638.1 and 13 more transcripts); c.5404-4C>A (NM_001407626.1, NM_001407617.1, NM_001407622.1 and 14 more transcripts); c.5329-4C>A (NM_001407652.1, NM_001407653.1, NM_001407655.1 and 1 more transcripts); c.5333-4C>A (NM_001407854.1); c.5407-4C>A (NM_001407598.1, NM_001407596.1, NM_001407602.1 and 5 more transcripts); c.1882-4C>A (NM_001408492.1, NM_001408493.1); and 83 more.
Identifiers: ClinVar variation 865739 (VCV000865739.3), dbSNP rs876660347, ClinGen allele CA916080778.